The following is an entry in ClinVar:

NM_003070.5(SMARCA2):c.669GCA[6] (p.Gln232_Gln238del)

Gene: SMARCA2 (SWI/SNF related BAF chromatin remodeling complex subunit ATPase 2; plus strand). Cytogenetic location: 9p24.3.
Variant type: Microsatellite.
Coding change: c.669GCA[6] on transcript NM_003070.5 (MANE Select); six copies in a row of the 3-base unit GCA starting at c.669; the reference has 13 copies in a row; seven copies, 21 bases deleted.
Protein change: p.Gln232_Gln238del.
Molecular consequence: inframe deletion. On other transcripts: inframe indel (1).
Genome position (GRCh38, 1-based): chr9:2,039,797-2,039,817, GCAGCAGCAGCAGCAGCAGCA deleted; deleting any 21 consecutive bases within chr9:2,039,777-2,039,817 gives the same sequence; the position shown is the placement nearest the transcript's 3' end. VCF-style (leftmost placement, unchanged base first): chr9-2039776-ACAGCAGCAGCAGCAGCAGCAG-A. GRCh37 (hg19) VCF-style: chr9-2039776-ACAGCAGCAGCAGCAGCAGCAG-A.
Other names: c.687_707del21 (NM_003070.3); c.687_707delGCAGCAGCAGCAGCAGCAGCA (NM_003070.3); c.669_671GCA[6], p.Gln232_Gln238del (NM_001289396.2); c.669GCA[6], p.Gln232_Gln238del (NM_001289397.2, NM_139045.4).
Identifiers: ClinVar variation 587833 (VCV000587833.41), dbSNP rs113070757, ClinGen allele CA463852701.

ClinVar aggregate classification (germline): Conflicting classifications of pathogenicity. Review status: criteria provided, conflicting classifications (1 of 4 stars). 5 submissions from 5 submitters: Uncertain significance (1); Likely benign (4). Last evaluated 2025-05-01.

Conditions:
Inborn genetic diseases. Identifiers: MedGen C0950123, MeSH D030342.

Submissions (5):

CeGaT Center for Human Genetics Tuebingen
Classification: Likely benign. Last evaluated: 2025-05-01. Review status: criteria provided, single submitter. Criteria: CeGaT Center For Human Genetics Tuebingen Variant Classification Criteria Version 2. Collection method: clinical testing. Allele origin: germline. Affected: yes. Observed: 4 variant alleles.
Comment: SMARCA2: BP3

Blueprint Genetics
Classification: Likely benign. Last evaluated: 2024-10-16. Review status: criteria provided, single submitter. Criteria: ACMG Guidelines, 2015. Collection method: clinical testing. Allele origin: germline.

GeneDx
Classification: Likely benign. Last evaluated: 2022-06-01. Review status: criteria provided, single submitter. Criteria: GeneDx Variant Classification Process June 2021. Collection method: clinical testing. Allele origin: germline. Affected: yes.
Comment: See Variant Classification Assertion Criteria.

Labcorp Genetics (formerly Invitae), Labcorp
Classification: Uncertain significance. Last evaluated: 2021-06-12. Review status: criteria provided, single submitter. Criteria: Invitae Variant Classification Sherloc (09022015). Collection method: clinical testing. Allele origin: germline.
Comment: In summary, the available evidence is currently insufficient to determine the role of this variant in disease. Therefore, it has been classified as a Variant of Uncertain Significance. Experimental studies and prediction algorithms are not available or were not evaluated, and the functional significance of this variant is currently unknown. This variant has not been reported in the literature in individuals with SMARCA2-related conditions. This variant is not present in population databases (ExAC no frequency). This variant, c.687_707del, results in the deletion of 7 amino acid(s) of the SMARCA2 protein (p.Gln232_Gln238del), but otherwise preserves the integrity of the reading frame.

Ambry Genetics
Classification: Likely benign for Inborn genetic diseases. Last evaluated: 2019-03-29. Review status: criteria provided, single submitter. Criteria: Ambry Variant Classification Scheme 2023. Collection method: clinical testing. Allele origin: germline.